The following is an entry in ClinVar:

ClinVar aggregate classification (germline): Uncertain significance. Review status: criteria provided, multiple submitters, no conflicts (2 of 4 stars). 2 submissions from 2 submitters: Uncertain significance (2). Last evaluated 2025-09-03.

Conditions:
Hereditary nonpolyposis colorectal neoplasms. Identifiers: MedGen C0009405, MeSH D003123.
Hereditary cancer-predisposing syndrome. Also called: Hereditary neoplastic syndrome; Hereditary Cancer Syndrome; Neoplastic Syndromes, Hereditary; Tumor predisposition. Identifiers: Orphanet 140162, MedGen C0027672, MeSH D009386, MONDO:0015356.

Submissions (2):

Labcorp Genetics (formerly Invitae), Labcorp
Classification: Uncertain significance for Hereditary nonpolyposis colorectal neoplasms. Last evaluated: 2025-09-03. Review status: criteria provided, single submitter. Criteria: Invitae Variant Classification Sherloc (09022015). Collection method: clinical testing. Allele origin: germline.
Comment: This sequence change replaces phenylalanine, which is neutral and non-polar, with leucine, which is neutral and non-polar, at codon 788 of the PMS2 protein (p.Phe788Leu). The frequency data for this variant in the population databases (gnomAD) is considered unreliable due to the presence of homologous sequence, such as pseudogenes or paralogs, in the genome. This variant has not been reported in the literature in individuals affected with PMS2-related conditions. ClinVar contains an entry for this variant (Variation ID: 230280). Invitae Evidence Modeling incorporating data from in vitro experimental studies (internal data) indicates that this missense variant is not expected to disrupt PMS2 function with a negative predictive value of 95%. In summary, the available evidence is currently insufficient to determine the role of this variant in disease. Therefore, it has been classified as a Variant of Uncertain Significance.

Ambry Genetics
Classification: Uncertain significance for Hereditary cancer-predisposing syndrome. Last evaluated: 2015-02-02. Review status: criteria provided, single submitter. Criteria: Ambry Variant Classification Scheme 2023. Collection method: clinical testing. Allele origin: germline.
Comment: The p.F788L variant (also known as c.2362T>C), located in coding exon 14 of the PMS2 gene, results from a T to C substitution at nucleotide position 2362. The phenylalanine at codon 788 is replaced by leucine, an amino acid with highly similar properties. This variant was not reported in population based cohorts in the following databases: Database of Single Nucleotide Polymorphisms (dbSNP), NHLBI Exome Sequencing Project (ESP), and 1000 Genomes Project. In the ESP, this variant was not observed in 6477 samples (12954 alleles) with coverage at this position. To date, this alteration has been detected with an allele frequency of approximately 0.002% (greater than 40000 alleles tested) in our clinical cohort. This amino acid position is highly conserved in available vertebrate species. In addition, this alteration is predicted to be deleterious by in silico analysis. Since supporting evidence is limited at this time, the clinical significance of p.F788L remains unclear.

NM_000535.7(PMS2):c.2362T>C (p.Phe788Leu)

Gene: PMS2 (PMS1 homolog 2, mismatch repair system component; minus strand). Cytogenetic location: 7p22.1.
Variant type: single nucleotide variant.
Coding change: c.2362T>C on transcript NM_000535.7 (MANE Select); coding-DNA position 2362, T replaced by C.
Protein change: p.Phe788Leu; replaces phenylalanine 788 with leucine.
Molecular consequence: missense variant. On other transcripts: non-coding transcript variant (1).
Genome position (GRCh38, 1-based): chr7:5,977,671, A>G on the plus strand (T>C on the coding strand, the complement: PMS2 is on the minus strand). VCF-style: chr7-5977671-A-G. GRCh37 (hg19) VCF-style: chr7-6017302-A-G.
Other names: c.1957T>C, p.Phe653Leu (NM_001322003.2, NM_001322004.2, NM_001322005.2); c.2206T>C, p.Phe736Leu (NM_001322006.2); c.2044T>C, p.Phe682Leu (NM_001322007.2, NM_001322008.2); c.1990T>C, p.Phe664Leu (NM_001322009.2); c.1801T>C, p.Phe601Leu (NM_001322010.2); c.1429T>C, p.Phe477Leu (NM_001322011.2, NM_001322012.2); c.1789T>C, p.Phe597Leu (NM_001322013.2); c.2395T>C, p.Phe799Leu (NM_001322014.2); and 1 more; short protein forms F788L, F653L, F685L, F799L, F682L, F736L, F597L, F601L.
Identifiers: ClinVar variation 230280 (VCV000230280.6), dbSNP rs876658480, ClinGen allele CA10578646.
Genomic context (GRCh38, chr7:5,977,671, plus strand): 5'-CAAACATCTGCTTGACTCGGGAAGGCCGGCACATGACCCCAGGGCTGTCGCTCAGCATGA[A>G]GATCAGTTCATCGACGTCCTGGGGTCCGAAGGTCCAGTTTTTACTAGTTGGCAAGGAAAT-3'
Protein context (NP_000526.2, residues 778-798): FGPQDVDELI[Phe788Leu]MLSDSPGVMC